The following is an entry in ClinVar:

NM_001351132.2(PEX5):c.536C>T (p.Thr179Ile)

Gene: PEX5 (peroxisomal biogenesis factor 5; plus strand). Cytogenetic location: 12p13.31.
Variant type: single nucleotide variant.
Coding change: c.536C>T on transcript NM_001351132.2 (MANE Select); coding-DNA position 536, C replaced by T.
Protein change: p.Thr179Ile; replaces threonine 179 with isoleucine.
Molecular consequence: missense variant.
Genome position (GRCh38, 1-based): chr12:7,199,098, C>T. VCF-style: chr12-7199098-C-T. GRCh37 (hg19) VCF-style: chr12-7351694-C-T.
Other names: c.536C>T, p.Thr179Ile (NM_000319.5, NM_001131024.2, NM_001131025.2 and 19 more transcripts); c.581C>T, p.Thr194Ile (NM_001131023.2, NM_001351135.3, NM_001351138.2); short protein forms T179I, T194I.
Identifiers: ClinVar variation 1359315 (VCV001359315.6), dbSNP rs2136075556, ClinGen allele CA383718117.
Genomic context (GRCh38, chr12:7,199,098, plus strand): 5'-GGGCTGAGGAATATTTGGAGCAATCAGAGGAGAAGCTGTGGCTGGGAGAACCTGAGGGAA[C>T]AGCCACCGATCGCTGGTGAGTTCAGATACCTCTTTCCGAATCCCGTGAAAGGAGTATGGA-3'
Protein context (NP_001338061.1, residues 169-189): EKLWLGEPEG[Thr179Ile]ATDRWYDEYH

ClinVar aggregate classification (germline): Uncertain significance (1 of 4 stars; one submission).

Conditions:
Peroxisome biogenesis disorder 2B (PBD2B). Identifiers: Orphanet 44, MedGen C3550234, MONDO:0008736, OMIM 202370.

gnomAD v4.1: 2 of 1,597,392 alleles (0.00013%); highest among the groups gnomAD compares: Non-Finnish European, 0.00017%; no homozygotes.

Submission:

Labcorp Genetics (formerly Invitae), Labcorp
Classification: Uncertain significance for Peroxisome biogenesis disorder 2B. Last evaluated: 2025-10-01. Review status: criteria provided, single submitter. Criteria: Invitae Variant Classification Sherloc (09022015). Collection method: clinical testing. Allele origin: germline.
Comment: This sequence change replaces threonine, which is neutral and polar, with isoleucine, which is neutral and non-polar, at codon 179 of the PEX5 protein (p.Thr179Ile). This variant is not present in population databases (gnomAD no frequency). This variant has not been reported in the literature in individuals affected with PEX5-related conditions. ClinVar contains an entry for this variant (Variation ID: 1359315). Invitae Evidence Modeling of protein sequence and biophysical properties (such as structural, functional, and spatial information, amino acid conservation, physicochemical variation, residue mobility, and thermodynamic stability) indicates that this missense variant is not expected to disrupt PEX5 protein function with a negative predictive value of 80%. In summary, the available evidence is currently insufficient to determine the role of this variant in disease. Therefore, it has been classified as a Variant of Uncertain Significance.